The following is an entry in ClinVar:

NM_001145358.2(SIN3A):c.3453C>G (p.Asn1151Lys)

Gene: SIN3A (SIN3 transcription regulator family member A; minus strand). Cytogenetic location: 15q24.2.
Variant type: single nucleotide variant.
Coding change: c.3453C>G on transcript NM_001145358.2 (MANE Select); coding-DNA position 3453, C replaced by G.
Protein change: p.Asn1151Lys; replaces asparagine 1151 with lysine.
Molecular consequence: missense variant.
Genome position (GRCh38, 1-based): chr15:75,375,803, G>C on the plus strand (C>G on the coding strand, the complement: SIN3A is on the minus strand). VCF-style: chr15-75375803-G-C. GRCh37 (hg19) VCF-style: chr15-75668144-G-C.
Other names: c.3453C>G, p.Asn1151Lys (NM_001145357.2, NM_015477.3); short protein forms N1151K.
Identifiers: ClinVar variation 2264819 (VCV002264819.4), dbSNP rs761876235, ClinGen allele CA7667226.

ClinVar aggregate classification (germline): Uncertain significance. Review status: criteria provided, multiple submitters, no conflicts (2 of 4 stars). 2 submissions from 2 submitters: Uncertain significance (2). Last evaluated 2024-10-15.

Conditions:
Inborn genetic diseases. Identifiers: MedGen C0950123, MeSH D030342.

Allele frequency attached by ClinVar (database versions not stated): gnomAD 0.00001; TOPMed 0.00001.
gnomAD v4.1: 9 of 1,614,044 alleles (0.00056%); highest among the groups gnomAD compares: Non-Finnish European, 0.00076%; no homozygotes.

Submissions (2):

Labcorp Genetics (formerly Invitae), Labcorp
Classification: Uncertain significance. Last evaluated: 2024-10-15. Review status: criteria provided, single submitter. Criteria: Invitae Variant Classification Sherloc (09022015). Collection method: clinical testing. Allele origin: germline.
Comment: This sequence change replaces asparagine, which is neutral and polar, with lysine, which is basic and polar, at codon 1151 of the SIN3A protein (p.Asn1151Lys). This variant is present in population databases (rs761876235, gnomAD 0.002%). This variant has not been reported in the literature in individuals affected with SIN3A-related conditions. ClinVar contains an entry for this variant (Variation ID: 2264819). An algorithm developed to predict the effect of missense changes on protein structure and function (PolyPhen-2) suggests that this variant is likely to be tolerated. In summary, the available evidence is currently insufficient to determine the role of this variant in disease. Therefore, it has been classified as a Variant of Uncertain Significance.

Ambry Genetics
Classification: Uncertain significance for Inborn genetic diseases. Last evaluated: 2022-08-16. Review status: criteria provided, single submitter. Criteria: Ambry Variant Classification Scheme 2023. Collection method: clinical testing. Allele origin: germline.